The following is an entry in ClinVar:

ClinVar aggregate classification (germline): Benign. Review status: criteria provided, multiple submitters, no conflicts (2 of 4 stars). 4 submissions from 4 submitters: Benign (3). 1 of the submissions does not count toward it. Last evaluated 2026-01-26.

Conditions:
Congenital ichthyosis of skin. Identifiers: MedGen C0020758.
ABCA12-related disorder. Also called: ABCA12-related condition.

Allele frequency attached by ClinVar (database versions not stated): gnomAD 0.00115 and 0.00117; 1000 Genomes Project 0.00120; 1000 Genomes Project 30x 0.00141; TOPMed 0.00323; ExAC 0.00447; gnomAD exomes 0.00566.
gnomAD v4.1: 1,818 of 1,613,276 alleles (0.11%); highest among the groups gnomAD compares: Admixed American, 2.9%; 56 homozygotes.

Submissions (4):

Labcorp Genetics (formerly Invitae), Labcorp
Classification: Benign. Last evaluated: 2026-01-26. Review status: criteria provided, single submitter. Criteria: Invitae Variant Classification Sherloc (09022015). Collection method: clinical testing. Allele origin: germline.

Illumina Laboratory Services, Illumina
Classification: Benign for Congenital ichthyosis of skin. Last evaluated: 2018-01-13. Review status: criteria provided, single submitter. Criteria: ICSL Variant Classification Criteria 13 December 2019. Collection method: clinical testing. Allele origin: germline.
Comment: This variant was observed in the ICSL laboratory as part of a predisposition screen in an ostensibly healthy population. It had not been previously curated by ICSL or reported in the Human Gene Mutation Database (HGMD: prior to June 1st, 2018), and was therefore a candidate for classification through an automated scoring system. Utilizing variant allele frequency, disease prevalence and penetrance estimates, and inheritance mode, an automated score was calculated to assess if this variant is too frequent to cause the disease. Based on the score and internal cut-off values, a variant classified as benign is not then subjected to further curation. The score for this variant resulted in a classification of benign for this disease.

Breakthrough Genomics
Classification: Benign. Review status: criteria provided, single submitter. Criteria: ACMG Guidelines, 2015. Collection method: not provided. Allele origin: germline. Inheritance: Autosomal recessive inheritance. Affected: yes.

PreventionGenetics, part of Exact Sciences
Classification: Benign for ABCA12-related condition. Last evaluated: 2019-12-31. Review status: no assertion criteria provided. Collection method: clinical testing. Allele origin: germline. Not counted in ClinVar's aggregate classification.
Comment: This variant is classified as benign based on ACMG/AMP sequence variant interpretation guidelines (Richards et al. 2015 PMID: 25741868, with internal and published modifications).

NM_173076.3(ABCA12):c.5619A>T (p.Val1873=)

Gene: ABCA12 (ATP binding cassette subfamily A member 12; minus strand). Cytogenetic location: 2q35.
Variant type: single nucleotide variant.
Coding change: c.5619A>T on transcript NM_173076.3 (MANE Select); coding-DNA position 5619, A replaced by T.
Protein change: p.Val1873=; no amino-acid change (valine 1873 retained).
Molecular consequence: synonymous variant. On other transcripts: non-coding transcript variant (1).
Genome position (GRCh38, 1-based): chr2:214,970,344, T>A on the plus strand (A>T on the coding strand, the complement: ABCA12 is on the minus strand). VCF-style: chr2-214970344-T-A. GRCh37 (hg19) VCF-style: chr2-215835068-T-A.
Other names: c.4665A>T, p.Val1555= (NM_015657.4).
Identifiers: ClinVar variation 334232 (VCV000334232.16), dbSNP rs186944029, ClinGen allele CA2091155.
Genomic context (GRCh38, chr2:214,970,344, plus strand): 5'-AAACTCATTTGCAGTTGATATAAGATAATTTTCCACTCGTTGCCCAGTGAGGTTATAAAT[T>A]ACCTGGGATGAGTAAGTTCTTCTGTGCGGTGGGGAATAGTTAAATTTAGGACATTCCTGG-3'
Protein context (NP_775099.2, residues 1863-1883): PPHRRTYSSQ[Val1873=]IYNLTGQRVE